The following is an entry in ClinVar:

ClinVar aggregate classification (germline): Uncertain significance (1 of 4 stars; one submission).

Allele frequency attached by ClinVar (database versions not stated): gnomAD exomes below 0.00001.
gnomAD v4.1: 1 of 1,551,748 alleles (0.000064%); highest among the groups gnomAD compares: Admixed American, 0.002%; no homozygotes.

Submission:

Labcorp Genetics (formerly Invitae), Labcorp
Classification: Uncertain significance. Last evaluated: 2022-08-31. Review status: criteria provided, single submitter. Criteria: Invitae Variant Classification Sherloc (09022015). Collection method: clinical testing. Allele origin: germline.
Comment: This sequence change replaces proline, which is neutral and non-polar, with leucine, which is neutral and non-polar, at codon 341 of the UNC80 protein (p.Pro341Leu). This variant is not present in population databases (gnomAD no frequency). This variant has not been reported in the literature in individuals affected with UNC80-related conditions. Algorithms developed to predict the effect of missense changes on protein structure and function are either unavailable or do not agree on the potential impact of this missense change (SIFT: "Not Available"; PolyPhen-2: "Benign"; Align-GVGD: "Not Available"). In summary, the available evidence is currently insufficient to determine the role of this variant in disease. Therefore, it has been classified as a Variant of Uncertain Significance.

NM_001371986.1(UNC80):c.1022C>T (p.Pro341Leu)

Gene: UNC80 (unc-80 homolog, NALCN channel complex subunit; plus strand). Cytogenetic location: 2q34.
Variant type: single nucleotide variant.
Coding change: c.1022C>T on transcript NM_001371986.1 (MANE Select); coding-DNA position 1022, C replaced by T.
Protein change: p.Pro341Leu; replaces proline 341 with leucine.
Molecular consequence: missense variant.
Genome position (GRCh38, 1-based): chr2:209,813,663, C>T. VCF-style: chr2-209813663-C-T. GRCh37 (hg19) VCF-style: chr2-210678387-C-T.
Other names: c.1022C>T, p.Pro341Leu (NM_032504.2, NM_182587.4); short protein forms P341L.
Identifiers: ClinVar variation 2005343 (VCV002005343.1), dbSNP rs2470957857, ClinGen allele CA350133006.